The following is an entry in ClinVar:

NM_004693.3(KRT75):c.303G>A (p.Gly101=)

Gene: KRT75 (keratin 75; minus strand). Cytogenetic location: 12q13.13.
Variant type: single nucleotide variant.
Coding change: c.303G>A on transcript NM_004693.3 (MANE Select); coding-DNA position 303, G replaced by A.
Protein change: p.Gly101=; no amino-acid change (glycine 101 retained).
Molecular consequence: synonymous variant.
Genome position (GRCh38, 1-based): chr12:52,434,002, C>T on the plus strand (G>A on the coding strand, the complement: KRT75 is on the minus strand). VCF-style: chr12-52434002-C-T. GRCh37 (hg19) VCF-style: chr12-52827786-C-T.
Other names: NC_000012.11:g.52827786C>T.
Identifiers: ClinVar variation 3060549 (VCV003060549.3), dbSNP rs2232385, ClinGen allele CA6580190.

ClinVar aggregate classification (germline): Benign (0 of 4 stars; one submission).

Conditions:
KRT75-related disorder. Also called: KRT75-related condition.

Allele frequency attached by ClinVar (database versions not stated): gnomAD exomes 0.11063; ExAC 0.12523; ESP Exome Variant Server 0.14324; gnomAD 0.14629; 1000 Genomes Project 30x 0.15116; 1000 Genomes Project 0.15276; TOPMed 0.15554.
gnomAD v4.1: 184,850 of 1,614,012 alleles (11%); highest among the groups gnomAD compares: African/African-American, 22%; 11,689 homozygotes.

Submissions (2):

PreventionGenetics, part of Exact Sciences
Classification: Benign for KRT75-related condition. Last evaluated: 2019-10-22. Review status: no assertion criteria provided. Collection method: clinical testing. Allele origin: germline.
Comment: This variant is classified as benign based on ACMG/AMP sequence variant interpretation guidelines (Richards et al. 2015 PMID: 25741868, with internal and published modifications).

Dr. Peter K. Rogan Lab, Western University
No classification provided (evidence only). Condition: Cholangiocarcinoma. Review status: no classification provided. Collection method: in vitro. Allele origin: not applicable. Functional consequence: retained intron. Not counted in ClinVar's aggregate classification.